The following is an entry in ClinVar:

ClinVar aggregate classification (germline): Likely pathogenic. Review status: criteria provided, multiple submitters, no conflicts (2 of 4 stars). 4 submissions from 4 submitters: Likely pathogenic (4). Last evaluated 2026-02-01.

Conditions:
Marfan syndrome (MFS). Also called: Marfan syndrome, classic; FBN1-Related Marfan Syndrome; Marfan syndrome type 1; Marfan's syndrome; MARFAN SYNDROME, TYPE I. Identifiers: Orphanet 284963, Orphanet 558, MedGen C0024796, MONDO:0007947, OMIM 154700.
Familial thoracic aortic aneurysm and aortic dissection (TAAD). Also called: Thoracic aortic aneurysms and dissections. Identifiers: Orphanet 91387, MedGen C4707243, MONDO:0019625.

Allele frequency attached by ClinVar (database versions not stated): gnomAD exomes below 0.00001.

Submissions (4):

Labcorp Genetics (formerly Invitae), Labcorp
Classification: Likely pathogenic for Marfan syndrome; Familial thoracic aortic aneurysm and aortic dissection. Last evaluated: 2026-02-01. Review status: criteria provided, single submitter. Criteria: Invitae Variant Classification Sherloc (09022015). Collection method: clinical testing. Allele origin: germline.
Comment: This sequence change replaces cysteine, which is neutral and slightly polar, with tyrosine, which is neutral and polar, at codon 528 of the FBN1 protein (p.Cys528Tyr). This variant is not present in population databases (gnomAD no frequency). This missense change has been observed in individual(s) with Marfan syndrome (PMID: 22847364). ClinVar contains an entry for this variant (Variation ID: 199972). Invitae Evidence Modeling of protein sequence and biophysical properties (such as structural, functional, and spatial information, amino acid conservation, physicochemical variation, residue mobility, and thermodynamic stability) indicates that this missense variant is expected to disrupt FBN1 protein function with a positive predictive value of 95%. This variant affects a cysteine residue in the EGF-like, TGFBP or hybrid motif domains of FBN1. Cysteine residues are believed to be involved in intramolecular disulfide bridges and have been shown to be important for FBN1 protein structure (PMID: 16905551, 19349279). In addition, missense substitutions affecting cysteine residues within these domains are significantly overrepresented among patients with Marfan syndrome (PMID: 16571647, 17701892). This variant disrupts the p.Cys528 amino acid residue in FBN1. Other variant(s) that disrupt this residue have been observed in individuals with FBN1-related conditions (PMID: 25337071), which suggests that this may be a clinically significant amino acid residue. In summary, the currently available evidence indicates that the variant is pathogenic, but additional data are needed to prove that conclusively. Therefore, this variant has been classified as Likely Pathogenic.

GeneDx
Classification: Likely pathogenic. Last evaluated: 2025-06-12. Review status: criteria provided, single submitter. Criteria: GeneDx Variant Classification Process June 2021. Collection method: clinical testing. Allele origin: germline. Affected: yes.
Comment: Identified in a patient with Marfan syndrome and thyroid carcinoma in the published literature (PMID: 22847364); Not observed at significant frequency in large population cohorts (gnomAD); In silico analysis supports that this missense variant has a deleterious effect on protein structure/function; Affects a cysteine residue within an EGF-like domain of the FBN1 gene, which may affect disulfide bonding and is predicted to alter the structure and function of the protein; cysteine substitutions in the EGF-like domains represent the majority of pathogenic missense changes associated with FBN1-related disorders (PMID: 12938084); This variant is associated with the following publications: (PMID: 22847364, 12938084)

Clinical Genetics Laboratory, Skane University Hospital Lund
Classification: Likely pathogenic. Last evaluated: 2023-08-01. Review status: criteria provided, single submitter. Criteria: ACMG Guidelines, 2015. Collection method: clinical testing. Allele origin: germline. Affected: yes.

Clinical Genetics and Genomics, Karolinska University Hospital
Classification: Likely pathogenic. Last evaluated: 2014-09-08. Review status: criteria provided, single submitter. Criteria: ACMG Guidelines, 2015. Collection method: clinical testing. Allele origin: germline. Affected: yes. Observed: 3 variant alleles.

Literature cited by the submitters: PubMed 22847364 (cited by Labcorp Genetics (formerly Invitae), Labcorp); PubMed 16905551 (cited by Labcorp Genetics (formerly Invitae), Labcorp); PubMed 19349279 (cited by Labcorp Genetics (formerly Invitae), Labcorp); PubMed 16571647 (cited by Labcorp Genetics (formerly Invitae), Labcorp); PubMed 17701892 (cited by Labcorp Genetics (formerly Invitae), Labcorp); PubMed 25337071 (cited by Labcorp Genetics (formerly Invitae), Labcorp).

NM_000138.5(FBN1):c.1583G>A (p.Cys528Tyr)

Gene: FBN1 (fibrillin 1; minus strand). Cytogenetic location: 15q21.1.
Variant type: single nucleotide variant.
Coding change: c.1583G>A on transcript NM_000138.5 (MANE Select); coding-DNA position 1583, G replaced by A.
Protein change: p.Cys528Tyr; replaces cysteine 528 with tyrosine.
Molecular consequence: missense variant.
Genome position (GRCh38, 1-based): chr15:48,513,554, C>T on the plus strand (G>A on the coding strand, the complement: FBN1 is on the minus strand). VCF-style: chr15-48513554-C-T. GRCh37 (hg19) VCF-style: chr15-48805751-C-T.
Other names: p.C528Y:TGC>TAC; short protein forms C528Y.
Identifiers: ClinVar variation 199972 (VCV000199972.8), dbSNP rs794728170, ClinGen allele CA012283.